The following is an entry in ClinVar:

NM_032242.4(PLXNA1):c.5049A>T (p.Leu1683=)

Gene: PLXNA1 (plexin A1; plus strand). Cytogenetic location: 3q21.3.
Variant type: single nucleotide variant.
Coding change: c.5049A>T on transcript NM_032242.4 (MANE Select); coding-DNA position 5049, A replaced by T.
Protein change: p.Leu1683=; no amino-acid change (leucine 1683 retained).
Molecular consequence: synonymous variant.
Genome position (GRCh38, 1-based): chr3:127,030,052, A>T. VCF-style: chr3-127030052-A-T. GRCh37 (hg19) VCF-style: chr3-126748895-A-T.
Identifiers: ClinVar variation 3048239 (VCV003048239.5), dbSNP rs145960102, ClinGen allele CA2594590.
Genomic context (GRCh38, chr3:127,030,052, plus strand): 5'-GGACCAGCGTGAGGGTGACCGCGGCAGCAAGATGGTCTCGGAGATCTACTTGACACGGCT[A>T]CTGGCCACCAAGGTGGGCCTGGCTGGCAGATGGGGGCAGGGGACGCTGGGCCAACTGAGC-3'
Protein context (NP_115618.3, residues 1673-1693): KMVSEIYLTR[Leu1683=]LATKGTLQKF

ClinVar aggregate classification (germline): Benign/Likely benign. Review status: criteria provided, multiple submitters, no conflicts (2 of 4 stars). 3 submissions from 3 submitters: Benign (1); Likely benign (1). 1 of the submissions does not count toward it. Last evaluated 2025-11-23.

Conditions:
PLXNA1-related disorder. Also called: PLXNA1-related condition.

Allele frequency attached by ClinVar (database versions not stated): ExAC 0.00013; gnomAD exomes 0.00019; ESP Exome Variant Server 0.00023; gnomAD 0.00025; TOPMed 0.00025.
gnomAD v4.1: 320 of 1,611,194 alleles (0.02%); highest among the groups gnomAD compares: Middle Eastern, 0.033%; 1 homozygote.

Submissions (3):

Labcorp Genetics (formerly Invitae), Labcorp
Classification: Benign. Last evaluated: 2025-11-23. Review status: criteria provided, single submitter. Criteria: Invitae Variant Classification Sherloc (09022015). Collection method: clinical testing. Allele origin: germline.

Blueprint Genetics
Classification: Likely benign. Last evaluated: 2024-08-06. Review status: criteria provided, single submitter. Criteria: ACMG Guidelines, 2015. Collection method: clinical testing. Allele origin: germline.

PreventionGenetics, part of Exact Sciences
Classification: Likely benign for PLXNA1-related condition. Last evaluated: 2022-01-18. Review status: no assertion criteria provided. Collection method: clinical testing. Allele origin: germline. Not counted in ClinVar's aggregate classification.
Comment: This variant is classified as likely benign based on ACMG/AMP sequence variant interpretation guidelines (Richards et al. 2015 PMID: 25741868, with internal and published modifications).